The following is an entry in ClinVar:

ClinVar aggregate classification (germline): Pathogenic (1 of 4 stars; one submission).

Submission:

Labcorp Genetics (formerly Invitae), Labcorp
Classification: Pathogenic. Last evaluated: 2025-01-15. Review status: criteria provided, single submitter. Criteria: Invitae Variant Classification Sherloc (09022015). Collection method: clinical testing. Allele origin: germline.
Comment: This variant, c.1288_1305del, results in the deletion of 6 amino acid(s) of the COL4A5 protein (p.Ala430_Gly435del), but otherwise preserves the integrity of the reading frame. This variant is not present in population databases (gnomAD no frequency). This variant has not been reported in the literature in individuals affected with COL4A5-related conditions. This variant disrupts the triple helix domain of COL4A5. Glycine residues within the Gly-Xaa-Yaa repeats of the triple helix domain are required for the structure and stability of fibrillar collagens (PMID: 7695699, 8218237, 19344236). In COL4A5, missense variants at these glycine residues are significantly enriched in individuals with disease (PMID: 23720012, 27627812) compared to the general population (ExAC). This variant disrupts a region of the COL4A5 protein in which other variant(s) (p.Gly435Glu) have been determined to be pathogenic (internal data). This suggests that this is a clinically significant region of the protein, and that variants that disrupt it are likely to be disease-causing. For these reasons, this variant has been classified as Pathogenic.

Literature cited by the submitters: PubMed 7695699; PubMed 8218237; PubMed 19344236; PubMed 23720012; PubMed 27627812.

NM_033380.3(COL4A5):c.1288_1305del (p.Ala430_Gly435del)

Gene: COL4A5 (collagen type IV alpha 5 chain; plus strand). Cytogenetic location: Xq22.3.
Variant type: Deletion.
Coding change: c.1288_1305del on transcript NM_033380.3 (MANE Select); coding-DNA positions 1288 to 1305, 18 bases deleted (GCTCCTGGGCTTCCAGGG).
Protein change: p.Ala430_Gly435del.
Genome position (GRCh38, 1-based): chrX:108,591,180-108,591,197, GCTCCTGGGCTTCCAGGG deleted; deleting any 18 consecutive bases within chrX:108,591,177-108,591,197 gives the same sequence; the c. name uses the placement nearest the transcript's 3' end. VCF-style (leftmost placement, unchanged base first): chrX-108591176-TGGGGCTCCTGGGCTTCCA-T. GRCh37 (hg19) VCF-style: chrX-107834406-TGGGGCTCCTGGGCTTCCA-T.
Other names: c.1288_1305del, p.Ala430_Gly435del (NM_000495.5).
Identifiers: ClinVar variation 3727029 (VCV003727029.2).